The following is an entry in ClinVar:

ClinVar aggregate classification (germline): Uncertain significance. Review status: criteria provided, multiple submitters, no conflicts (2 of 4 stars). 2 submissions from 2 submitters: Uncertain significance (2). Last evaluated 2022-09-07.

Conditions:
Catecholaminergic polymorphic ventricular tachycardia 1. Also called: RYR2-Related Catecholaminergic Polymorphic Ventricular Tachycardia; VENTRICULAR TACHYCARDIA, CATECHOLAMINERGIC POLYMORPHIC, 1, WITH OR WITHOUT ATRIAL DYSFUNCTION AND/OR DILATED CARDIOMYOPATHY; VENTRICULAR TACHYCARDIA, STRESS-INDUCED POLYMORPHIC 1. Identifiers: Orphanet 3286, MedGen C1631597, MONDO:0011484, OMIM 604772.

Submissions (2):

Labcorp Genetics (formerly Invitae), Labcorp
Classification: Uncertain significance for Catecholaminergic polymorphic ventricular tachycardia 1. Last evaluated: 2022-09-07. Review status: criteria provided, single submitter. Criteria: Invitae Variant Classification Sherloc (09022015). Collection method: clinical testing. Allele origin: germline.
Comment: In summary, the available evidence is currently insufficient to determine the role of this variant in disease. Therefore, it has been classified as a Variant of Uncertain Significance. Experimental studies have shown that this missense change affects RYR2 function (PMID: 27756708, 33536282). Advanced modeling of protein sequence and biophysical properties (such as structural, functional, and spatial information, amino acid conservation, physicochemical variation, residue mobility, and thermodynamic stability) performed at Invitae indicates that this missense variant is expected to disrupt RYR2 protein function. ClinVar contains an entry for this variant (Variation ID: 1195081). This missense change has been observed in individual(s) with clinical features of arrhythmogenic cardiomyopathy (PMID: 27756708). This variant is not present in population databases (gnomAD no frequency). This sequence change replaces serine, which is neutral and polar, with phenylalanine, which is neutral and non-polar, at codon 4938 of the RYR2 protein (p.Ser4938Phe).

GeneDx
Classification: Uncertain significance. Last evaluated: 2020-09-30. Review status: criteria provided, single submitter. Criteria: GeneDx Variant Classification Process June 2021. Collection method: clinical testing. Allele origin: germline. Affected: yes.
Comment: Not observed in large population cohorts (Lek et al., 2016); In silico analysis supports that this missense variant has a deleterious effect on protein structure/function; Published in vitro functional studies suggest activity is considerably less significant in channels with S4938F-RYR2 compared to channels with wild-type RYR2 (Fujii et al., 2017); nevertheless, it is unclear how these studies may translate to a pathogenic role in vivo; Located in one of the three hot-spot regions of the RYR2 gene, where the majority of pathogenic missense variants occur (Medeiros-Domingo et al., 2009); This variant is associated with the following publications: (PMID: 27756708, 27818320)

Literature cited by the submitters: PubMed 27756708 (cited by Labcorp Genetics (formerly Invitae), Labcorp); PubMed 33536282 (cited by Labcorp Genetics (formerly Invitae), Labcorp).

NM_001035.3(RYR2):c.14813C>T (p.Ser4938Phe)

Gene: RYR2 (ryanodine receptor 2; plus strand). Cytogenetic location: 1q43.
Variant type: single nucleotide variant.
Coding change: c.14813C>T on transcript NM_001035.3 (MANE Select); coding-DNA position 14813, C replaced by T.
Protein change: p.Ser4938Phe; replaces serine 4938 with phenylalanine.
Molecular consequence: missense variant.
Genome position (GRCh38, 1-based): chr1:237,832,556, C>T. VCF-style: chr1-237832556-C-T. GRCh37 (hg19) VCF-style: chr1-237995856-C-T.
Other names: short protein forms S4938F.
Identifiers: ClinVar variation 1195081 (VCV001195081.7), dbSNP rs2102967780, ClinGen allele CA345410626.
Genomic context (GRCh38, chr1:237,832,556, plus strand): 5'-GTTTTGTTAGCACACACTTTGGGGAAAATGTTAATACATTTCCTTGACTTTTGCAGGAAT[C>T]TTATGTCTGGAAGATGTATCAAGAAAGGTGTTGGGAATTTTTCCCAGCAGGGGATTGCTT-3'
Protein context (NP_001026.2, residues 4928-4948): KDETEHTGQE[Ser4938Phe]YVWKMYQERC